The following is an entry in ClinVar:

ClinVar aggregate classification (germline): Likely benign. Review status: criteria provided, multiple submitters, no conflicts (2 of 4 stars). 3 submissions from 3 submitters: Likely benign (3). Last evaluated 2026-03-01.

Allele frequency attached by ClinVar (database versions not stated): ESP Exome Variant Server 0.00207; gnomAD exomes 0.00208 and 0.00215; TOPMed 0.00236; ExAC 0.00249; gnomAD 0.00250 and 0.00265.
gnomAD v4.1: 3,389 of 1,556,306 alleles (0.22%); highest among the groups gnomAD compares: Non-Finnish European, 0.24%; 15 homozygotes.

Submissions (3):

CeGaT Center for Human Genetics Tuebingen
Classification: Likely benign. Last evaluated: 2026-03-01. Review status: criteria provided, single submitter. Criteria: CeGaT Center For Human Genetics Tuebingen Variant Classification Criteria Version 2. Collection method: clinical testing. Allele origin: germline. Affected: yes. Observed: 1 variant allele.
Comment: CRYZL2P-SEC16B: BS2; SEC16B: BS2

Labcorp Genetics (formerly Invitae), Labcorp
Classification: Likely benign. Last evaluated: 2018-07-31. Review status: criteria provided, single submitter. Criteria: Invitae Variant Classification Sherloc (09022015). Collection method: clinical testing. Allele origin: germline.

Breakthrough Genomics
Classification: Likely benign. Review status: criteria provided, single submitter. Criteria: ACMG Guidelines, 2015. Collection method: not provided. Allele origin: germline. Inheritance: Unknown mechanism. Affected: yes.

NM_033127.4(SEC16B):c.1568G>A (p.Gly523Glu)

Genes: CRYZL2P-SEC16B (CRYZL2P-SEC16B readthrough; minus strand), SEC16B (SEC16 homolog B, endoplasmic reticulum export factor; minus strand). Cytogenetic location: 1q25.2.
Variant type: single nucleotide variant.
Coding change: c.1568G>A on transcript NM_033127.4 (MANE Select); coding-DNA position 1568, G replaced by A.
Protein change: p.Gly523Glu; replaces glycine 523 with glutamic acid.
Molecular consequence: missense variant. On other transcripts: non-coding transcript variant (1).
Genome position (GRCh38, 1-based): chr1:177,947,920, C>T on the plus strand (G>A on the coding strand, the complement: SEC16B is on the minus strand). VCF-style: chr1-177947920-C-T. GRCh37 (hg19) VCF-style: chr1-177917055-C-T.
Other names: c.1568G>A, p.Gly523Glu (NM_001356505.2, NM_001356506.2, NM_001390833.1); c.1571G>A, p.Gly524Glu (NM_001356499.2, NM_001390834.1, NM_001390835.1); short protein forms G524E, G523E.
Identifiers: ClinVar variation 773416 (VCV000773416.8), dbSNP rs200132735, ClinGen allele CA1260752.